The following is an entry in ClinVar:

ClinVar aggregate classification (germline): Pathogenic (1 of 4 stars; one submission).

Submission:

Labcorp Genetics (formerly Invitae), Labcorp
Classification: Pathogenic. Last evaluated: 2023-02-03. Review status: criteria provided, single submitter. Criteria: Invitae Variant Classification Sherloc (09022015). Collection method: clinical testing. Allele origin: germline.
Comment: This sequence change creates a premature translational stop signal (p.Arg410Serfs*7) in the FAM161A gene. It is expected to result in an absent or disrupted protein product. Loss-of-function variants in FAM161A are known to be pathogenic (PMID: 20705278, 20705279, 24651477). This variant is not present in population databases (gnomAD no frequency). This variant has not been reported in the literature in individuals affected with FAM161A-related conditions. For these reasons, this variant has been classified as Pathogenic.

Literature cited by the submitters: PubMed 20705278; PubMed 20705279; PubMed 24651477.

NM_001201543.2(FAM161A):c.1230del (p.Arg410fs)

Gene: FAM161A (FAM161 centrosomal protein A; minus strand). Cytogenetic location: 2p15.
Variant type: Deletion.
Coding change: c.1230del on transcript NM_001201543.2 (MANE Select); coding-DNA position 1230, one base deleted (G; older notation c.1230delG).
Protein change: p.Arg410fs; shifts the reading frame from arginine 410.
Molecular consequence: frameshift variant. On other transcripts: non-coding transcript variant (1).
Genome position (GRCh38, 1-based): chr2:61,839,774, C deleted on the plus strand (G on the coding strand, the reverse complement: FAM161A is on the minus strand); the first of 2 consecutive C bases (chr2:61,839,774-61,839,775); deleting either gives the same sequence. VCF-style (leftmost placement, unchanged base first): chr2-61839773-AC-A. GRCh37 (hg19) VCF-style: chr2-62066908-AC-A.
Other names: c.1230del, p.Arg410fs (NM_032180.3); short protein forms R410fs.
Identifiers: ClinVar variation 2115988 (VCV002115988.4), dbSNP rs2466024081, ClinGen allele CA2580067621.